The following is an entry in ClinVar:

NM_001366110.1(PAX4):c.568del (p.Gln190fs)

Gene: PAX4 (paired box 4; minus strand). Cytogenetic location: 7q32.1.
Variant type: Deletion.
Coding change: c.568del on transcript NM_001366110.1 (MANE Select); coding-DNA position 568, one base deleted (C; older notation c.568delC).
Protein change: p.Gln190fs; shifts the reading frame from glutamine 190.
Molecular consequence: frameshift variant.
Genome position (GRCh38, 1-based): chr7:127,613,527, G deleted on the plus strand (C on the coding strand, the reverse complement: PAX4 is on the minus strand); the first of 2 consecutive G bases (chr7:127,613,527-127,613,528); deleting either gives the same sequence. VCF-style (leftmost placement, unchanged base first): chr7-127613526-TG-T. GRCh37 (hg19) VCF-style: chr7-127253580-TG-T.
Other names: NM_006193.2:c.544del; c.568del, p.Gln190fs (NM_001366111.1); short protein forms Q190fs.
Identifiers: ClinVar variation 1711962 (VCV001711962.2), dbSNP rs2535517126, ClinGen allele CA2580076451.

ClinVar aggregate classification (germline): Uncertain significance (1 of 4 stars; one submission).

Submission:

GeneDx
Classification: Uncertain significance. Last evaluated: 2022-04-19. Review status: criteria provided, single submitter. Criteria: GeneDx Variant Classification Process June 2021. Collection method: clinical testing. Allele origin: germline. Affected: yes.
Comment: Not observed at significant frequency in large population cohorts (gnomAD); Frameshift variant predicted to result in protein truncation or nonsense mediated decay in a gene or region of a gene for which loss of function is not a well-established mechanism of disease; Has not been previously published as pathogenic or benign to our knowledge